The following is an entry in ClinVar:

NM_001318852.2(MAPK8IP3):c.167T>A (p.Met56Lys)

Gene: MAPK8IP3 (mitogen-activated protein kinase 8 interacting protein 3; plus strand). Cytogenetic location: 16p13.3.
Variant type: single nucleotide variant.
Coding change: c.167T>A on transcript NM_001318852.2 (MANE Select); coding-DNA position 167, T replaced by A.
Protein change: p.Met56Lys; replaces methionine 56 with lysine.
Molecular consequence: missense variant.
Genome position (GRCh38, 1-based): chr16:1,706,506, T>A. VCF-style: chr16-1706506-T-A. GRCh37 (hg19) VCF-style: chr16-1756507-T-A.
Other names: c.167T>A, p.Met56Lys (NM_001040439.2, NM_015133.5, NM_033392.3); short protein forms M56K.
Identifiers: ClinVar variation 2575910 (VCV002575910.1), dbSNP rs2547945307, ClinGen allele CA394213174.

ClinVar aggregate classification (germline): Likely pathogenic (1 of 4 stars; one submission).

Conditions:
Neurodevelopmental disorder with or without variable brain abnormalities; NEDBA. Also called: NEURODEVELOPMENTAL DISORDER WITH OR WITHOUT VARIABLE BRAIN ABNORMALITIES. Identifiers: MedGen C5193102, MONDO:0032755, OMIM 618443.

Submission:

Institute of Human Genetics, FAU Erlangen, Friedrich-Alexander-Universität Erlangen-Nürnberg
Classification: Likely pathogenic for Neurodevelopmental disorder with or without variable brain abnormalities; NEDBA. Last evaluated: 2023-08-18. Review status: criteria provided, single submitter. Criteria: Hauer et al. (Genet Med. 2018). Collection method: clinical testing. Allele origin: germline. Inheritance: Autosomal dominant inheritance. Affected: yes. Observed: 1 variant allele.
Comment: This variant has been identified by standard clinical testing. Selected ACMG criteria: Likely pathogenic (II):PP3;PP2;PM2;PS2